The following is an entry in ClinVar:

ClinVar aggregate classification (germline): Likely benign. Review status: criteria provided, multiple submitters, no conflicts (2 of 4 stars). 2 submissions from 2 submitters: Likely benign (2). Last evaluated 2026-08-01.

gnomAD v4.1: 651 of 1,613,270 alleles (0.04%); highest among the groups gnomAD compares: Middle Eastern, 0.58%; 1 homozygote.

Submissions (2):

CeGaT Center for Human Genetics Tuebingen
Classification: Likely benign. Last evaluated: 2026-08-01. Review status: criteria provided, single submitter. Criteria: CeGaT Center For Human Genetics Tuebingen Variant Classification Criteria Version 2. Collection method: clinical testing. Allele origin: germline. Affected: yes. Observed: 2 variant alleles.
Comment: CASP2: BP4, BP7

Blueprint Genetics
Classification: Likely benign. Last evaluated: 2024-10-24. Review status: criteria provided, single submitter. Criteria: ACMG Guidelines, 2015. Collection method: clinical testing. Allele origin: germline.

NM_032982.4(CASP2):c.21G>A (p.Gly7=)

Genes: CASP2 (caspase 2; plus strand), LOC129999515 (ATAC-STARR-seq lymphoblastoid silent region 18720; plus strand). Cytogenetic location: 7q34.
Variant type: single nucleotide variant.
Coding change: c.21G>A on transcript NM_032982.4 (MANE Select); coding-DNA position 21, G replaced by A.
Protein change: p.Gly7=; no amino-acid change (glycine 7 retained).
Molecular consequence: synonymous variant.
Genome position (GRCh38, 1-based): chr7:143,288,476, G>A. VCF-style: chr7-143288476-G-A. GRCh37 (hg19) VCF-style: chr7-142985569-G-A.
Other names: c.21G>A, p.Gly7= (NM_032983.4).
Identifiers: ClinVar variation 4533574 (VCV004533574.7).